The following is an entry in ClinVar:

ClinVar aggregate classification (germline): Uncertain significance (1 of 4 stars; one submission).

Allele frequency attached by ClinVar (database versions not stated): gnomAD exomes below 0.00001; gnomAD 0.00001.

Submission:

Labcorp Genetics (formerly Invitae), Labcorp
Classification: Uncertain significance. Last evaluated: 2022-08-23. Review status: criteria provided, single submitter. Criteria: Invitae Variant Classification Sherloc (09022015). Collection method: clinical testing. Allele origin: germline.
Comment: In summary, the available evidence is currently insufficient to determine the role of this variant in disease. Therefore, it has been classified as a Variant of Uncertain Significance. Advanced modeling of protein sequence and biophysical properties (such as structural, functional, and spatial information, amino acid conservation, physicochemical variation, residue mobility, and thermodynamic stability) performed at Invitae indicates that this missense variant is not expected to disrupt KCNV2 protein function. This variant has not been reported in the literature in individuals affected with KCNV2-related conditions. This variant is not present in population databases (gnomAD no frequency). This sequence change replaces threonine, which is neutral and polar, with methionine, which is neutral and non-polar, at codon 19 of the KCNV2 protein (p.Thr19Met).

NM_133497.4(KCNV2):c.56C>T (p.Thr19Met)

Gene: KCNV2 (potassium voltage-gated channel modifier subfamily V member 2; plus strand). Cytogenetic location: 9p24.2.
Variant type: single nucleotide variant.
Coding change: c.56C>T on transcript NM_133497.4 (MANE Select); coding-DNA position 56, C replaced by T.
Protein change: p.Thr19Met; replaces threonine 19 with methionine.
Molecular consequence: missense variant.
Genome position (GRCh38, 1-based): chr9:2,717,795, C>T. VCF-style: chr9-2717795-C-T. GRCh37 (hg19) VCF-style: chr9-2717795-C-T.
Other names: short protein forms T19M.
Identifiers: ClinVar variation 2084523 (VCV002084523.4), dbSNP rs766476272, ClinGen allele CA372795567.